The following is an entry in ClinVar:

ClinVar aggregate classification (germline): Uncertain significance (1 of 4 stars; one submission).

Submission:

Ambry Genetics
Classification: Uncertain significance. Last evaluated: 2022-03-07. Review status: criteria provided, single submitter. Criteria: Ambry Variant Classification Scheme 2023. Collection method: clinical testing. Allele origin: germline.
Comment: The p.D758N variant (also known as c.2272G>A), located in coding exon 12 of the PALLD gene, results from a G to A substitution at nucleotide position 2272. The aspartic acid at codon 758 is replaced by asparagine, an amino acid with highly similar properties. This amino acid position is conserved. In addition, this alteration is predicted to be tolerated by in silico analysis. Since supporting evidence is limited at this time, the clinical significance of this alteration remains unclear.

NM_001166108.2(PALLD):c.2323G>A (p.Asp775Asn)

Genes: CBR4 (carbonyl reductase 4; minus strand), PALLD (palladin, cytoskeletal associated protein; plus strand). Cytogenetic location: 4q32.3.
Variant type: single nucleotide variant.
Coding change: c.2323G>A on transcript NM_001166108.2 (MANE Select); coding-DNA position 2323, G replaced by A.
Protein change: p.Asp775Asn; replaces aspartic acid 775 with asparagine.
Molecular consequence: missense variant.
Genome position (GRCh38, 1-based): chr4:168,898,565, G>A. VCF-style: chr4-168898565-G-A. GRCh37 (hg19) VCF-style: chr4-169819716-G-A.
Other names: c.1126G>A, p.Asp376Asn (NM_001166109.2); c.811G>A, p.Asp271Asn (NM_001166110.2); c.151G>A, p.Asp51Asn (NM_001367567.1, NM_001367569.1); c.202G>A, p.Asp68Asn (NM_001367568.1, NM_001367570.1); c.2272G>A, p.Asp758Asn (NM_016081.4); short protein forms D775N, D68N, D758N, D376N, D271N, D51N.
Identifiers: ClinVar variation 1788807 (VCV001788807.2), dbSNP rs2533732698, ClinGen allele CA358798802.